The following is an entry in ClinVar:

ClinVar aggregate classification (germline): Uncertain significance. Review status: criteria provided, multiple submitters, no conflicts (2 of 4 stars). 2 submissions from 2 submitters: Uncertain significance (2). Last evaluated 2025-11-11.

Conditions:
Inborn genetic diseases. Identifiers: MedGen C0950123, MeSH D030342.
Pulmonary fibrosis and/or bone marrow failure, Telomere-related, 3. Also called: PULMONARY FIBROSIS AND/OR BONE MARROW FAILURE SYNDROME, TELOMERE-RELATED, 3. Identifiers: Orphanet 2032, MedGen C4225346, MONDO:0014613, OMIM 616373.
Dyskeratosis congenita, autosomal recessive 5 (DKCB5). Identifiers: MedGen C3554656, MONDO:0014076, OMIM 615190.

Allele frequency attached by ClinVar (database versions not stated): gnomAD exomes 0.00001; ExAC 0.00002; gnomAD 0.00003; TOPMed 0.00004.
gnomAD v4.1: 15 of 1,612,522 alleles (0.00093%); highest among the groups gnomAD compares: Middle Eastern, 0.016%; no homozygotes.

Submissions (2):

Labcorp Genetics (formerly Invitae), Labcorp
Classification: Uncertain significance for Dyskeratosis congenita, autosomal recessive 5; Pulmonary fibrosis and/or bone marrow failure, Telomere-related, 3. Last evaluated: 2025-11-11. Review status: criteria provided, single submitter. Criteria: Invitae Variant Classification Sherloc (09022015). Collection method: clinical testing. Allele origin: germline.
Comment: This sequence change replaces glycine, which is neutral and non-polar, with serine, which is neutral and polar, at codon 936 of the RTEL1 protein (p.Gly936Ser). This variant is present in population databases (rs749800565, gnomAD 0.007%). This variant has not been reported in the literature in individuals affected with RTEL1-related conditions. ClinVar contains an entry for this variant (Variation ID: 2137033). An algorithm developed to predict the effect of missense changes on protein structure and function outputs the following: PolyPhen-2: "Benign". The serine amino acid residue is found in multiple mammalian species, which suggests that this missense change does not adversely affect protein function. In summary, the available evidence is currently insufficient to determine the role of this variant in disease. Therefore, it has been classified as a Variant of Uncertain Significance.

Ambry Genetics
Classification: Uncertain significance for Inborn genetic diseases. Last evaluated: 2023-06-07. Review status: criteria provided, single submitter. Criteria: Ambry Variant Classification Scheme 2023. Collection method: clinical testing. Allele origin: germline.

NM_001283009.2(RTEL1):c.2806G>A (p.Gly936Ser)

Genes: RTEL1 (regulator of telomere elongation helicase 1; plus strand), RTEL1-TNFRSF6B (RTEL1-TNFRSF6B readthrough (NMD candidate); plus strand). Cytogenetic location: 20q13.33.
Variant type: single nucleotide variant.
Coding change: c.2806G>A on transcript NM_001283009.2 (MANE Select); coding-DNA position 2806, G replaced by A.
Protein change: p.Gly936Ser; replaces glycine 936 with serine.
Molecular consequence: missense variant. On other transcripts: non-coding transcript variant (1).
Genome position (GRCh38, 1-based): chr20:63,692,958, G>A. VCF-style: chr20-63692958-G-A. GRCh37 (hg19) VCF-style: chr20-62324311-G-A.
Other names: c.2137G>A, p.Gly713Ser (NM_001283010.1); c.2806G>A, p.Gly936Ser (NM_016434.4); c.2878G>A, p.Gly960Ser (NM_032957.5); c.2878G>A (NM_032957.4); short protein forms G713S, G936S, G960S.
Identifiers: ClinVar variation 2137033 (VCV002137033.4), dbSNP rs749800565, ClinGen allele CA9965546.